The following is an entry in ClinVar:

ClinVar aggregate classification (germline): Pathogenic (1 of 4 stars; one submission).

Conditions:
Hereditary breast ovarian cancer syndrome. Also called: Hereditary breast and ovarian cancer; Hereditary breast and/or ovarian cancer syndrome; Hereditary breast and ovarian cancer syndrome (HBOC); Breast and ovarian cancer; Hereditary breast and ovarian cancer syndrome; BRCA1- and BRCA2-Associated Hereditary Breast and Ovarian Cancer. Identifiers: Orphanet 145, MedGen C0677776, MeSH D061325, MONDO:0003582. Disease mechanism: loss of function.

Submission:

Labcorp Genetics (formerly Invitae), Labcorp
Classification: Pathogenic for Hereditary breast ovarian cancer syndrome. Last evaluated: 2022-04-28. Review status: criteria provided, single submitter. Criteria: Invitae Variant Classification Sherloc (09022015). Collection method: clinical testing. Allele origin: germline.
Comment: This sequence change creates a premature translational stop signal (p.Glu453*) in the BRCA1 gene. It is expected to result in an absent or disrupted protein product. Loss-of-function variants in BRCA1 are known to be pathogenic (PMID: 20104584). This variant is not present in population databases (gnomAD no frequency). This variant has not been reported in the literature in individuals affected with BRCA1-related conditions. For these reasons, this variant has been classified as Pathogenic.

Literature cited by the submitters: PubMed 20104584.

NM_007294.4(BRCA1):c.1357G>T (p.Glu453Ter)

Gene: BRCA1 (BRCA1 DNA repair associated; minus strand). Cytogenetic location: 17q21.31.
Variant type: single nucleotide variant.
Coding change: c.1357G>T on transcript NM_007294.4 (MANE Select); coding-DNA position 1357, G replaced by T.
Protein change: p.Glu453Ter; replaces glutamic acid 453 with a stop codon.
Molecular consequence: nonsense. On other transcripts: intron variant (137).
Genome position (GRCh38, 1-based): chr17:43,094,174, C>A on the plus strand (G>T on the coding strand, the complement: BRCA1 is on the minus strand). VCF-style: chr17-43094174-C-A. GRCh37 (hg19) VCF-style: chr17-41246191-C-A.
Other names: c.1144G>T, p.Glu382Ter (NM_001407571.1, NM_001407853.1, NM_001407894.1 and 9 more transcripts); c.1357G>T, p.Glu453Ter (NM_001407581.1, NM_001407582.1, NM_001407583.1 and 30 more transcripts); c.1354G>T, p.Glu452Ter (NM_001407587.1, NM_001407590.1, NM_001407591.1 and 22 more transcripts); c.1348G>T, p.Glu450Ter (NM_001407646.1, NM_001407647.1); c.1234G>T, p.Glu412Ter (NM_001407648.1, NM_001407664.1, NM_001407665.1 and 19 more transcripts); c.1231G>T, p.Glu411Ter (NM_001407649.1, NM_001407670.1, NM_001407671.1 and 11 more transcripts); c.1279G>T, p.Glu427Ter (NM_001407653.1, NM_001407654.1, NM_001407655.1 and 4 more transcripts); c.1276G>T, p.Glu426Ter (NM_001407659.1, NM_001407660.1, NM_001407661.1 and 1 more transcripts); and 40 more; short protein forms E285*, E325*, E364*, E365*, E385*, E412*, E426*, E450*.
Identifiers: ClinVar variation 2131509 (VCV002131509.4), dbSNP rs768054411, ClinGen allele CA10599337.
Genomic context (GRCh38, chr17:43,094,174, plus strand): 5'-TGGGGAGGCTTGCCTTCTTCCGATAGGTTTTCCCAAATATTTTGTCTTCAATATTACTCT[C>A]TACTGATTTGGAGTGAACTCTTTCACTTTTACATATTAAAGCCTCATGAGGATCACTGGC-3'